The following is an entry in ClinVar:

NM_001206744.2(TPO):c.1810G>A (p.Glu604Lys)

Genes: LALTOP (lung cancer associated lncRNA targeting TOP2A; minus strand), TPO (thyroid peroxidase; plus strand). Cytogenetic location: 2p25.3.
Variant type: single nucleotide variant.
Coding change: c.1810G>A on transcript NM_001206744.2 (MANE Select); coding-DNA position 1810, G replaced by A.
Protein change: p.Glu604Lys; replaces glutamic acid 604 with lysine.
Molecular consequence: missense variant.
Genome position (GRCh38, 1-based): chr2:1,493,843, G>A. VCF-style: chr2-1493843-G-A. GRCh37 (hg19) VCF-style: chr2-1497615-G-A.
Other names: c.1810G>A, p.Glu604Lys (NM_000547.6, NM_175721.3); c.1639G>A, p.Glu547Lys (NM_001206745.2, NM_175719.4); c.1291G>A, p.Glu431Lys (NM_175722.3); short protein forms E431K, E547K, E604K.
Identifiers: ClinVar variation 2328043 (VCV002328043.3), dbSNP rs138835015, ClinGen allele CA1511856.

ClinVar aggregate classification (germline): Uncertain significance. Review status: criteria provided, multiple submitters, no conflicts (2 of 4 stars). 2 submissions from 2 submitters: Uncertain significance (2). Last evaluated 2026-06-24.

Conditions:
Inborn genetic diseases. Identifiers: MedGen C0950123, MeSH D030342.

Allele frequency attached by ClinVar (database versions not stated): gnomAD 0.00012; TOPMed 0.00014; gnomAD exomes 0.00001; ExAC 0.00006; ESP Exome Variant Server 0.00015; 1000 Genomes Project 30x 0.00016; 1000 Genomes Project 0.00020.
gnomAD v4.1: 30 of 1,614,126 alleles (0.0019%); highest among the groups gnomAD compares: African/African-American, 0.04%; no homozygotes.

Submissions (2):

Women's Health and Genetics/Laboratory Corporation of America, LabCorp
Classification: Uncertain significance. Last evaluated: 2026-06-24. Review status: criteria provided, single submitter. Criteria: LabCorp Variant Classification Summary - May 2015. Collection method: clinical testing. Allele origin: germline.
Comment: Variant summary: TPO c.1810G>A (p.Glu604Lys) results in a conservative amino acid change in the encoded protein sequence. Algorithms developed to predict the effect of missense changes on protein structure and function all suggest that this variant is likely to be tolerated. The variant allele was found at a frequency of 3.6e-05 in 251176 control chromosomes. The available data on variant occurrences in the general population are insufficient to allow any conclusion about variant significance. To our knowledge, no occurrence of c.1810G>A in individuals affected with TPO-related conditions and no experimental evidence demonstrating its impact on protein function have been reported. ClinVar contains an entry for this variant (Variation ID: 2328043). Based on the evidence outlined above, the variant was classified as uncertain significance.

Ambry Genetics
Classification: Uncertain significance for Inborn genetic diseases. Last evaluated: 2021-12-03. Review status: criteria provided, single submitter. Criteria: Ambry Variant Classification Scheme 2023. Collection method: clinical testing. Allele origin: germline.